The following is an entry in ClinVar:

ClinVar aggregate classification (germline): Conflicting classifications of pathogenicity. Review status: criteria provided, conflicting classifications (1 of 4 stars). 4 submissions from 4 submitters: Uncertain significance (3); Likely benign (1). Last evaluated 2026-08-01.

Allele frequency attached by ClinVar (database versions not stated): 1000 Genomes Project 0.00080; ExAC 0.00089; gnomAD exomes 0.00094; gnomAD 0.00125; TOPMed 0.00128; ESP Exome Variant Server 0.00141; 1000 Genomes Project 30x 0.00156.
gnomAD v4.1: 2,335 of 1,613,870 alleles (0.14%); highest among the groups gnomAD compares: Non-Finnish European, 0.18%; 4 homozygotes.

Submissions (12):

CeGaT Center for Human Genetics Tuebingen
Classification: Likely benign. Last evaluated: 2026-08-01. Review status: criteria provided, single submitter. Criteria: CeGaT Center For Human Genetics Tuebingen Variant Classification Criteria Version 2. Collection method: clinical testing. Allele origin: germline. Affected: yes. Observed: 3 variant alleles.
Comment: PITRM1: BS2

Labcorp Genetics (formerly Invitae), Labcorp
Classification: Uncertain significance. Last evaluated: 2025-01-29. Review status: criteria provided, single submitter. Criteria: Invitae Variant Classification Sherloc (09022015). Collection method: clinical testing. Allele origin: germline.
Comment: This sequence change replaces valine, which is neutral and non-polar, with leucine, which is neutral and non-polar, at codon 898 of the PITRM1 protein (p.Val898Leu). This variant is present in population databases (rs190434719, gnomAD 0.2%), and has an allele count higher than expected for a pathogenic variant. This variant has not been reported in the literature in individuals affected with PITRM1-related conditions. ClinVar contains an entry for this variant (Variation ID: 1508685). An algorithm developed to predict the effect of missense changes on protein structure and function (PolyPhen-2) suggests that this variant is likely to be disruptive. In summary, the available evidence is currently insufficient to determine the role of this variant in disease. Therefore, it has been classified as a Variant of Uncertain Significance.

Ambry Genetics
Classification: Uncertain significance. Last evaluated: 2024-10-08. Review status: criteria provided, single submitter. Criteria: Ambry Variant Classification Scheme 2023. Collection method: clinical testing. Allele origin: germline.

Breakthrough Genomics
Classification: Uncertain significance. Review status: criteria provided, single submitter. Criteria: ACMG Guidelines, 2015. Collection method: not provided. Allele origin: germline. Inheritance: Autosomal recessive inheritance. Affected: yes.

Dr. Peter K. Rogan Lab, Western University
No classification provided (evidence only). Condition: Hepatocellular carcinoma. Review status: no classification provided. Collection method: in vitro. Allele origin: not applicable. Functional consequence: retained intron. Not counted in ClinVar's aggregate classification.

Dr. Peter K. Rogan Lab, Western University
No classification provided (evidence only). Condition: Nonpapillary renal cell carcinoma. Review status: no classification provided. Collection method: in vitro. Allele origin: not applicable. Functional consequence: retained intron. Not counted in ClinVar's aggregate classification.

Dr. Peter K. Rogan Lab, Western University
No classification provided (evidence only). Condition: Ovarian serous cystadenocarcinoma. Review status: no classification provided. Collection method: in vitro. Allele origin: not applicable. Functional consequence: retained intron. Not counted in ClinVar's aggregate classification.

Dr. Peter K. Rogan Lab, Western University
No classification provided (evidence only). Condition: Ovarian serous cystadenocarcinoma. Review status: no classification provided. Collection method: in vitro. Allele origin: not applicable. Functional consequence: retained intron. Not counted in ClinVar's aggregate classification.

Dr. Peter K. Rogan Lab, Western University
No classification provided (evidence only). Condition: Ovarian serous cystadenocarcinoma. Review status: no classification provided. Collection method: in vitro. Allele origin: not applicable. Functional consequence: retained intron. Not counted in ClinVar's aggregate classification.

Dr. Peter K. Rogan Lab, Western University
No classification provided (evidence only). Condition: Ovarian serous cystadenocarcinoma. Review status: no classification provided. Collection method: in vitro. Allele origin: not applicable. Functional consequence: retained intron. Not counted in ClinVar's aggregate classification.

Dr. Peter K. Rogan Lab, Western University
No classification provided (evidence only). Condition: Gastric cancer. Review status: no classification provided. Collection method: in vitro. Allele origin: not applicable. Functional consequence: retained intron. Not counted in ClinVar's aggregate classification.

Dr. Peter K. Rogan Lab, Western University
No classification provided (evidence only). Condition: Uveal melanoma. Review status: no classification provided. Collection method: in vitro. Allele origin: not applicable. Functional consequence: retained intron. Not counted in ClinVar's aggregate classification.

NM_014889.4(PITRM1):c.2986G>C (p.Val996Leu)

Gene: PITRM1 (pitrilysin metallopeptidase 1; minus strand). Cytogenetic location: 10p15.2.
Variant type: single nucleotide variant.
Coding change: c.2986G>C on transcript NM_014889.4 (MANE Select); coding-DNA position 2986, G replaced by C.
Protein change: p.Val996Leu; replaces valine 996 with leucine.
Molecular consequence: missense variant. On other transcripts: non-coding transcript variant (4).
Genome position (GRCh38, 1-based): chr10:3,138,269, C>G on the plus strand (G>C on the coding strand, the complement: PITRM1 is on the minus strand). VCF-style: chr10-3138269-C-G. GRCh37 (hg19) VCF-style: chr10-3180461-C-G.
Other names: c.2989G>C, p.Val997Leu (NM_001242307.2); c.2989G>C (NM_001242307.1); c.2692G>C, p.Val898Leu (NM_001242309.1); c.2788G>C, p.Val930Leu (NM_001347725.2); c.2173G>C, p.Val725Leu (NM_001347726.2); c.2371G>C, p.Val791Leu (NM_001347727.2); c.1681G>C, p.Val561Leu (NM_001347728.2); c.2962G>C, p.Val988Leu (NM_001347729.1); and 1 more; short protein forms V898L, V922L, V988L, V997L, V561L, V725L, V791L, V930L.
Identifiers: ClinVar variation 1508685 (VCV001508685.35), dbSNP rs190434719, ClinGen allele CA5387087.
Genomic context (GRCh38, chr10:3,138,269, plus strand): 5'-CGCTGTCTCCCCCGCTCCCCACTCACCTATCGCTCACGGCCAGGAGCTTGTCGTGGCTGA[C>G]AGCAAAGAGCTGCTCTCTGTGGGCCTGCTTCATCTCATCCGAGAGGCCGTACAAGAAGTG-3'
Protein context (NP_055704.2, residues 986-1006): KQAHREQLFA[Val996Leu]SHDKLLAVSD